The following is an entry in ClinVar:

NM_000642.3(AGL):c.3532C>T (p.Pro1178Ser)

Gene: AGL (amylo-alpha-1,6-glucosidase and 4-alpha-glucanotransferase; plus strand). Cytogenetic location: 1p21.2.
Variant type: single nucleotide variant.
Coding change: c.3532C>T on transcript NM_000642.3 (MANE Select); coding-DNA position 3532, C replaced by T.
Protein change: p.Pro1178Ser; replaces proline 1178 with serine.
Molecular consequence: missense variant.
Genome position (GRCh38, 1-based): chr1:99,900,805, C>T. VCF-style: chr1-99900805-C-T. GRCh37 (hg19) VCF-style: chr1-100366361-C-T.
Other names: c.3532C>T, p.Pro1178Ser (NM_000028.3, NM_000643.3, NM_000644.3 and 1 more transcripts); c.3484C>T, p.Pro1162Ser (NM_000646.3); c.3511C>T, p.Pro1171Ser (NM_001425326.1); c.3331C>T, p.Pro1111Ser (NM_001425327.1); c.3328C>T, p.Pro1110Ser (NM_001425328.1); c.3193C>T, p.Pro1065Ser (NM_001425329.1); c.3154C>T, p.Pro1052Ser (NM_001425332.1); short protein forms P1178S, P1162S, P1052S, P1065S, P1110S, P1111S, P1171S.
Identifiers: ClinVar variation 526571 (VCV000526571.13), dbSNP rs769812980, ClinGen allele CA27539491.

ClinVar aggregate classification (germline): Uncertain significance. Review status: criteria provided, multiple submitters, no conflicts (2 of 4 stars). 7 submissions from 7 submitters: Uncertain significance (6). 1 of the submissions does not count toward it. Last evaluated 2025-07-12.

Conditions:
Glycogen storage disease type III (GSD3). Also called: Cori disease; FORBES DISEASE. Identifiers: Orphanet 366, MedGen C0017922, MONDO:0009291, OMIM 232400.
Inborn genetic diseases. Identifiers: MedGen C0950123, MeSH D030342.

Allele frequency attached by ClinVar (database versions not stated): gnomAD 0.00002 and 0.00003; gnomAD exomes 0.00002; TOPMed 0.00002.
gnomAD v4.1: 67 of 1,613,816 alleles (0.0042%); highest among the groups gnomAD compares: Non-Finnish European, 0.0053%; no homozygotes.

Submissions (7):

Ambry Genetics
Classification: Uncertain significance for Inborn genetic diseases. Last evaluated: 2025-07-12. Review status: criteria provided, single submitter. Criteria: Ambry Variant Classification Scheme 2023. Collection method: clinical testing. Allele origin: germline.

GeneDx
Classification: Uncertain significance. Last evaluated: 2023-07-25. Review status: criteria provided, single submitter. Criteria: GeneDx Variant Classification Process June 2021. Collection method: clinical testing. Allele origin: germline. Affected: yes.
Comment: Not observed at significant frequency in large population cohorts (gnomAD); In silico analysis supports that this missense variant has a deleterious effect on protein structure/function; Has not been previously published as pathogenic or benign to our knowledge

Blueprint Genetics
Classification: Uncertain significance. Last evaluated: 2023-06-14. Review status: criteria provided, single submitter. Criteria: ACMG Guidelines, 2015. Collection method: clinical testing. Allele origin: germline.

Genome-Nilou Lab
Classification: Uncertain significance for Glycogen storage disease type III. Last evaluated: 2023-04-11. Review status: criteria provided, single submitter. Criteria: ACMG Guidelines, 2015. Collection method: clinical testing. Allele origin: germline. Affected: no.

Labcorp Genetics (formerly Invitae), Labcorp
Classification: Uncertain significance for Glycogen storage disease type III. Last evaluated: 2022-05-15. Review status: criteria provided, single submitter. Criteria: Invitae Variant Classification Sherloc (09022015). Collection method: clinical testing. Allele origin: germline.
Comment: This sequence change replaces proline, which is neutral and non-polar, with serine, which is neutral and polar, at codon 1178 of the AGL protein (p.Pro1178Ser). This variant is present in population databases (rs769812980, gnomAD 0.003%). This variant has not been reported in the literature in individuals affected with AGL-related conditions. ClinVar contains an entry for this variant (Variation ID: 526571). Algorithms developed to predict the effect of missense changes on protein structure and function are either unavailable or do not agree on the potential impact of this missense change (SIFT: "Tolerated"; PolyPhen-2: "Probably Damaging"; Align-GVGD: "Class C0"). In summary, the available evidence is currently insufficient to determine the role of this variant in disease. Therefore, it has been classified as a Variant of Uncertain Significance.

Fulgent Genetics
Classification: Uncertain significance for Glycogen storage disease type III. Last evaluated: 2021-07-28. Review status: criteria provided, single submitter. Criteria: ACMG Guidelines, 2015. Collection method: clinical testing. Allele origin: unknown.

Natera, Inc.
Classification: Uncertain significance for Glycogen storage disease type III. Last evaluated: 2019-10-28. Review status: no assertion criteria provided. Collection method: clinical testing. Allele origin: germline. Not counted in ClinVar's aggregate classification.